The following is an entry in ClinVar:

NM_005228.5(EGFR):c.3212C>T (p.Ser1071Leu)

Gene: EGFR (epidermal growth factor receptor; plus strand). Cytogenetic location: 7p11.2.
Variant type: single nucleotide variant.
Coding change: c.3212C>T on transcript NM_005228.5 (MANE Select); coding-DNA position 3212, C replaced by T.
Protein change: p.Ser1071Leu; replaces serine 1071 with leucine.
Molecular consequence: missense variant.
Genome position (GRCh38, 1-based): chr7:55,202,566, C>T. VCF-style: chr7-55202566-C-T. GRCh37 (hg19) VCF-style: chr7-55270259-C-T.
Other names: c.3077C>T, p.Ser1026Leu (NM_001346897.2, NM_001346899.2); c.3212C>T, p.Ser1071Leu (NM_001346898.2); c.3053C>T, p.Ser1018Leu (NM_001346900.2); c.2411C>T, p.Ser804Leu (NM_001346941.2); short protein forms S1071L, S1018L, S1026L, S804L.
Identifiers: ClinVar variation 4016789 (VCV004016789.1).

ClinVar aggregate classification (germline): Uncertain significance (1 of 4 stars; one submission).

Conditions:
Hereditary cancer-predisposing syndrome. Also called: Tumor predisposition; Hereditary neoplastic syndrome; Neoplastic Syndromes, Hereditary; Hereditary Cancer Syndrome. Identifiers: Orphanet 140162, MedGen C0027672, MeSH D009386, MONDO:0015356.

Submission:

Ambry Genetics
Classification: Uncertain significance for Hereditary cancer-predisposing syndrome. Last evaluated: 2025-05-24. Review status: criteria provided, single submitter. Criteria: Ambry Variant Classification Scheme 2023. Collection method: clinical testing. Allele origin: germline.
Comment: The p.S1071L variant (also known as c.3212C>T), located in coding exon 27 of the EGFR gene, results from a C to T substitution at nucleotide position 3212. The serine at codon 1071 is replaced by leucine, an amino acid with dissimilar properties. This amino acid position is conserved. In addition, the in silico prediction for this alteration is inconclusive. Based on the available evidence, the clinical significance of this variant remains unclear.